The following is an entry in ClinVar:

NM_031889.3(ENAM):c.2205T>C (p.Ser735=)

Gene: ENAM (enamelin; plus strand). Cytogenetic location: 4q13.3.
Variant type: single nucleotide variant.
Coding change: c.2205T>C on transcript NM_031889.3 (MANE Select); coding-DNA position 2205, T replaced by C.
Protein change: p.Ser735=; no amino-acid change (serine 735 retained).
Molecular consequence: synonymous variant.
Genome position (GRCh38, 1-based): chr4:70,643,631, T>C. VCF-style: chr4-70643631-T-C. GRCh37 (hg19) VCF-style: chr4-71509348-T-C.
Other names: c.1551T>C, p.Ser517= (NM_001368133.1).
Identifiers: ClinVar variation 737651 (VCV000737651.32), dbSNP rs144225109, ClinGen allele CA2952237.

ClinVar aggregate classification (germline): Conflicting classifications of pathogenicity. Review status: criteria provided, conflicting classifications (1 of 4 stars). 4 submissions from 4 submitters: Uncertain significance (1); Likely benign (3). Last evaluated 2024-10-16.

Conditions:
Amelogenesis imperfecta (AI). Also called: Congenital enamel hypoplasia. Identifiers: Orphanet 88661, MedGen C0002452, MONDO:0019507, HP:0000705.

Allele frequency attached by ClinVar (database versions not stated): 1000 Genomes Project 0.00040; gnomAD 0.00042; 1000 Genomes Project 30x 0.00047; ESP Exome Variant Server 0.00054; TOPMed 0.00055; gnomAD exomes 0.00066 and 0.00089; ExAC 0.00072.
gnomAD v4.1: 1,349 of 1,614,166 alleles (0.084%); highest among the groups gnomAD compares: Middle Eastern, 0.36%; 1 homozygote.

Submissions (4):

Blueprint Genetics
Classification: Likely benign. Last evaluated: 2024-10-16. Review status: criteria provided, single submitter. Criteria: ACMG Guidelines, 2015. Collection method: clinical testing. Allele origin: germline.

CeGaT Center for Human Genetics Tuebingen
Classification: Likely benign. Last evaluated: 2023-03-01. Review status: criteria provided, single submitter. Criteria: CeGaT Center For Human Genetics Tuebingen Variant Classification Criteria Version 2. Collection method: clinical testing. Allele origin: germline. Affected: yes. Observed: 1 variant allele.
Comment: ENAM: BP4, BP7

Labcorp Genetics (formerly Invitae), Labcorp
Classification: Likely benign. Last evaluated: 2018-11-06. Review status: criteria provided, single submitter. Criteria: Invitae Variant Classification Sherloc (09022015). Collection method: clinical testing. Allele origin: germline.

Illumina Laboratory Services, Illumina
Classification: Uncertain significance for Amelogenesis imperfecta. Last evaluated: 2018-01-12. Review status: criteria provided, single submitter. Criteria: ICSL Variant Classification Criteria 13 December 2019. Collection method: clinical testing. Allele origin: germline.